The following is an entry in ClinVar:

ClinVar aggregate classification (germline): Likely benign. Review status: criteria provided, multiple submitters, no conflicts (2 of 4 stars). 3 submissions from 3 submitters: Likely benign (2). 1 of the submissions does not count toward it. Last evaluated 2026-01-11.

Conditions:
MYO18B-related disorder. Also called: MYO18B-related condition.

Allele frequency attached by ClinVar (database versions not stated): TOPMed 0.00002; gnomAD 0.00003; ESP Exome Variant Server 0.00008.
gnomAD v4.1: 22 of 1,613,892 alleles (0.0014%); highest among the groups gnomAD compares: Middle Eastern, 0.033%; no homozygotes.

Submissions (3):

Labcorp Genetics (formerly Invitae), Labcorp
Classification: Likely benign. Last evaluated: 2026-01-11. Review status: criteria provided, single submitter. Criteria: Invitae Variant Classification Sherloc (09022015). Collection method: clinical testing. Allele origin: germline.

Blueprint Genetics
Classification: Likely benign. Last evaluated: 2024-04-04. Review status: criteria provided, single submitter. Criteria: ACMG Guidelines, 2015. Collection method: clinical testing. Allele origin: germline.

PreventionGenetics, part of Exact Sciences
Classification: Likely benign for MYO18B-related condition. Last evaluated: 2024-07-15. Review status: no assertion criteria provided. Collection method: clinical testing. Allele origin: germline. Not counted in ClinVar's aggregate classification.
Comment: This variant is classified as likely benign based on ACMG/AMP sequence variant interpretation guidelines (Richards et al. 2015 PMID: 25741868, with internal and published modifications).

NM_032608.7(MYO18B):c.6195C>G (p.Thr2065=)

Gene: MYO18B (myosin XVIIIB; plus strand). Cytogenetic location: 22q12.1.
Variant type: single nucleotide variant.
Coding change: c.6195C>G on transcript NM_032608.7 (MANE Select); coding-DNA position 6195, C replaced by G.
Protein change: p.Thr2065=; no amino-acid change (threonine 2065 retained).
Molecular consequence: synonymous variant.
Genome position (GRCh38, 1-based): chr22:25,992,401, C>G. VCF-style: chr22-25992401-C-G. GRCh37 (hg19) VCF-style: chr22-26388367-C-G.
Other names: c.6195C>G (NM_032608.6); c.6198C>G, p.Thr2066= (NM_001318245.2).
Identifiers: ClinVar variation 2729010 (VCV002729010.5), dbSNP rs367818164, ClinGen allele CA10161438.
Genomic context (GRCh38, chr22:25,992,401, plus strand): 5'-TGTTTGCATCTTCTGTCCCCAGGAGAAGTACGTGGAGGAACTTGCAGCAGTGAGGCAAAC[C>G]CTCCAGACAGACCTGGAGACATCCATTCGGCGGATTGCCGACCTGCAGGCTGCCTTGGAA-3'
Protein context (NP_115997.5, residues 2055-2075): YVEELAAVRQ[Thr2065=]LQTDLETSIR